The following is an entry in ClinVar:

ClinVar aggregate classification (germline): Likely benign. Review status: criteria provided, multiple submitters, no conflicts (2 of 4 stars). 3 submissions from 3 submitters: Likely benign (2). 1 of the submissions does not count toward it. Last evaluated 2025-10-24.

Conditions:
LRP4-related disorder. Also called: LRP4-related condition.
Sclerosteosis 2 (SOST2). Identifiers: Orphanet 3152, MedGen C3280402, MONDO:0013679, OMIM 614305.
Congenital myasthenic syndrome 17. Identifiers: Orphanet 590, MedGen C4225377, MONDO:0014578, OMIM 616304.
Cenani-Lenz syndactyly syndrome. Also called: CENANI SYNDACTYLISM; SYNDACTYLY, TYPE VII. Identifiers: Orphanet 3258, MedGen C1859309, MONDO:0008931, OMIM 212780.

Allele frequency attached by ClinVar (database versions not stated): gnomAD 0.00060 and 0.00058; TOPMed 0.00063; ESP Exome Variant Server 0.00092; gnomAD exomes 0.00008 and 0.00022; ExAC 0.00026; 1000 Genomes Project 30x 0.00047; 1000 Genomes Project 0.00060.
gnomAD v4.1: 200 of 1,614,174 alleles (0.012%); highest among the groups gnomAD compares: African/African-American, 0.2%; no homozygotes.

Submissions (3):

Labcorp Genetics (formerly Invitae), Labcorp
Classification: Likely benign for Cenani-Lenz syndactyly syndrome; Sclerosteosis 2; Congenital myasthenic syndrome 17. Last evaluated: 2025-10-24. Review status: criteria provided, single submitter. Criteria: Invitae Variant Classification Sherloc (09022015). Collection method: clinical testing. Allele origin: germline.

Fulgent Genetics
Classification: Likely benign for Cenani-Lenz syndactyly syndrome; Sclerosteosis 2; Congenital myasthenic syndrome 17. Last evaluated: 2021-07-29. Review status: criteria provided, single submitter. Criteria: ACMG Guidelines, 2015. Collection method: clinical testing. Allele origin: unknown.

PreventionGenetics, part of Exact Sciences
Classification: Likely benign for LRP4-related condition. Last evaluated: 2019-05-08. Review status: no assertion criteria provided. Collection method: clinical testing. Allele origin: germline. Not counted in ClinVar's aggregate classification.
Comment: This variant is classified as likely benign based on ACMG/AMP sequence variant interpretation guidelines (Richards et al. 2015 PMID: 25741868, with internal and published modifications).

NM_002334.4(LRP4):c.3390G>A (p.Ala1130=)

Gene: LRP4 (LDL receptor related protein 4; minus strand). Cytogenetic location: 11p11.2.
Variant type: single nucleotide variant.
Coding change: c.3390G>A on transcript NM_002334.4 (MANE Select); coding-DNA position 3390, G replaced by A.
Protein change: p.Ala1130=; no amino-acid change (alanine 1130 retained).
Molecular consequence: synonymous variant.
Genome position (GRCh38, 1-based): chr11:46,876,612, C>T on the plus strand (G>A on the coding strand, the complement: LRP4 is on the minus strand). VCF-style: chr11-46876612-C-T. GRCh37 (hg19) VCF-style: chr11-46898163-C-T.
Identifiers: ClinVar variation 706577 (VCV000706577.13), dbSNP rs144639401, ClinGen allele CA5969606.
Genomic context (GRCh38, chr11:46,876,612, plus strand): 5'-CACTTCAATCCGGTTTGTTCCCGTGTCTGTCCAGTATACTTTCCGGCCAATGGCATCAAC[C>T]GCGAGCCCATCTGTGGTCTGTAGCCCTGTGGGAAGTCAAAAGAGCACACTGGCTCCTATT-3'
Protein context (NP_002325.2, residues 1120-1140): TTGLQTTDGL[Ala1130=]VDAIGRKVYW